The following is an entry in ClinVar:

ClinVar aggregate classification (germline): Uncertain significance (1 of 4 stars; one submission).

Submission:

GeneDx
Classification: Uncertain significance. Last evaluated: 2024-05-08. Review status: criteria provided, single submitter. Criteria: GeneDx Variant Classification Process June 2021. Collection method: clinical testing. Allele origin: germline.
Comment: Not observed at significant frequency in large population cohorts (gnomAD); In silico analysis indicates that this missense variant does not alter protein structure/function; Has not been previously published as pathogenic or benign to our knowledge

NM_018684.4(ZC4H2):c.67C>A (p.Gln23Lys)

Gene: ZC4H2 (zinc finger C4H2-type containing; minus strand). Cytogenetic location: Xq11.2.
Variant type: single nucleotide variant.
Coding change: c.67C>A on transcript NM_018684.4 (MANE Select); coding-DNA position 67, C replaced by A.
Protein change: p.Gln23Lys; replaces glutamine 23 with lysine.
Molecular consequence: missense variant. On other transcripts: 5 prime UTR variant (2), non-coding transcript variant (1).
Genome position (GRCh38, 1-based): chrX:64,921,975, G>T on the plus strand (C>A on the coding strand, the complement: ZC4H2 is on the minus strand). VCF-style: chrX-64921975-G-T. GRCh37 (hg19) VCF-style: chrX-64141855-G-T.
Other names: c.-3C>A (NM_001178032.3, NM_001243804.2); c.67C>A, p.Gln23Lys (NM_001178033.3); short protein forms Q23K.
Identifiers: ClinVar variation 2500616 (VCV002500616.2), dbSNP rs1929216641, ClinGen allele CA413412459.